The following is an entry in ClinVar:

ClinVar aggregate classification (germline): Uncertain significance. Review status: criteria provided, multiple submitters, no conflicts (2 of 4 stars). 4 submissions from 4 submitters: Uncertain significance (4). Last evaluated 2025-01-15.

Conditions:
Familial cancer of breast. Also called: BREAST CANCER, FAMILIAL; hereditary breast carcinoma; Hereditary breast cancer. Identifiers: Orphanet 227535, MedGen C0346153, MONDO:0016419, OMIM 114480. Disease mechanism: loss of function.
Hereditary cancer-predisposing syndrome. Also called: Neoplastic Syndromes, Hereditary; Hereditary neoplastic syndrome; Tumor predisposition; Hereditary Cancer Syndrome. Identifiers: Orphanet 140162, MedGen C0027672, MeSH D009386, MONDO:0015356.
Ataxia-telangiectasia syndrome (AT). Also called: Ataxia-telangiectasia, complementation group E; Ataxia telangiectasia (A-T); LOUIS-BAR SYNDROME; Ataxia-telangiectasia, complementation group D; AT, COMPLEMENTATION GROUP C; Ataxia-telangiectasia. Identifiers: Orphanet 100, MedGen C0004135, MONDO:0008840, OMIM 208900.

Submissions (4):

Labcorp Genetics (formerly Invitae), Labcorp
Classification: Uncertain significance for Ataxia-telangiectasia syndrome. Last evaluated: 2025-01-15. Review status: criteria provided, single submitter. Criteria: Invitae Variant Classification Sherloc (09022015). Collection method: clinical testing. Allele origin: germline.
Comment: This sequence change replaces valine, which is neutral and non-polar, with alanine, which is neutral and non-polar, at codon 1085 of the ATM protein (p.Val1085Ala). This variant is not present in population databases (gnomAD no frequency). This variant has not been reported in the literature in individuals affected with ATM-related conditions. ClinVar contains an entry for this variant (Variation ID: 839199). Invitae Evidence Modeling of protein sequence and biophysical properties (such as structural, functional, and spatial information, amino acid conservation, physicochemical variation, residue mobility, and thermodynamic stability) has been performed for this missense variant. However, the output from this modeling did not meet the statistical confidence thresholds required to predict the impact of this variant on ATM protein function. In summary, the available evidence is currently insufficient to determine the role of this variant in disease. Therefore, it has been classified as a Variant of Uncertain Significance.

Color Diagnostics, LLC DBA Color Health
Classification: Uncertain significance for Hereditary cancer-predisposing syndrome. Last evaluated: 2024-03-06. Review status: criteria provided, single submitter. Criteria: ACMG Guidelines, 2015. Collection method: clinical testing. Allele origin: germline.
Comment: This missense variant replaces valine with alanine at codon 1085 of the ATM protein. Computational prediction is inconclusive regarding the impact of this variant on protein structure and function (internally defined REVEL score threshold 0.5 < inconclusive < 0.7, PMID: 27666373). To our knowledge, functional studies have not been reported for this variant. This variant has not been reported in individuals affected with hereditary cancer in the literature. This variant has not been identified in the general population by the Genome Aggregation Database (gnomAD). The available evidence is insufficient to determine the role of this variant in disease conclusively. Therefore, this variant is classified as a Variant of Uncertain Significance.

Baylor Genetics
Classification: Uncertain significance for Familial cancer of breast. Last evaluated: 2023-06-08. Review status: criteria provided, single submitter. Criteria: ACMG Guidelines, 2015. Collection method: clinical testing. Allele origin: unknown.

Ambry Genetics
Classification: Uncertain significance for Hereditary cancer-predisposing syndrome. Last evaluated: 2022-06-30. Review status: criteria provided, single submitter. Criteria: Ambry Variant Classification Scheme 2023. Collection method: clinical testing. Allele origin: germline.
Comment: The p.V1085A variant (also known as c.3254T>C), located in coding exon 21 of the ATM gene, results from a T to C substitution at nucleotide position 3254. The valine at codon 1085 is replaced by alanine, an amino acid with similar properties. This amino acid position is highly conserved in available vertebrate species. In addition, this alteration is predicted to be deleterious by in silico analysis. Since supporting evidence is limited at this time, the clinical significance of this alteration remains unclear.

NM_000051.4(ATM):c.3254T>C (p.Val1085Ala)

Gene: ATM (ATM serine/threonine kinase; plus strand). Cytogenetic location: 11q22.3.
Variant type: single nucleotide variant.
Coding change: c.3254T>C on transcript NM_000051.4 (MANE Select); coding-DNA position 3254, T replaced by C.
Protein change: p.Val1085Ala; replaces valine 1085 with alanine.
Molecular consequence: missense variant.
Genome position (GRCh38, 1-based): chr11:108,272,822, T>C. VCF-style: chr11-108272822-T-C. GRCh37 (hg19) VCF-style: chr11-108143549-T-C.
Other names: c.3254T>C, p.Val1085Ala (NM_001351834.2); short protein forms V1085A.
Identifiers: ClinVar variation 839199 (VCV000839199.17), dbSNP rs1284116426, ClinGen allele CA382516088.